The following is an entry in ClinVar:

ClinVar aggregate classification (germline): Conflicting classifications of pathogenicity. Review status: criteria provided, conflicting classifications (1 of 4 stars). 2 submissions from 2 submitters: Likely pathogenic (1); Uncertain significance (1). Last evaluated 2022-03-02.

Conditions:
Hereditary spastic paraplegia 30. Identifiers: Orphanet 101010, MedGen C5235139, MONDO:0012476.
Neuropathy, hereditary sensory, type 2C. Also called: KIF1A-Related HSAN2 (HSAN2C); Hereditary sensory and autonomic neuropathy type IIC. Identifiers: Orphanet 970, MedGen C3280168, MONDO:0013634, OMIM 614213.
Intellectual disability, autosomal dominant 9 (NESCAVS). Also called: NESCAV SYNDROME; KIF1A-Related Neurodevelopmental Disorder. Identifiers: Orphanet 662367, MedGen C5393830, MONDO:0013656, OMIM 614255.

Submissions (2):

Institute of Human Genetics Munich, TUM University Hospital
Classification: Likely pathogenic for Spastic paraplegia 30A, autosomal dominant. Last evaluated: 2022-03-02. Review status: criteria provided, single submitter. Criteria: Classification criteria August 2017. Collection method: clinical testing. Allele origin: paternal. Inheritance: Autosomal dominant inheritance. Affected: yes. Observed: 2 variant alleles.

Labcorp Genetics (formerly Invitae), Labcorp
Classification: Uncertain significance for Hereditary spastic paraplegia 30; Neuropathy, hereditary sensory, type 2C; Intellectual disability, autosomal dominant 9. Last evaluated: 2018-05-08. Review status: criteria provided, single submitter. Criteria: Invitae Variant Classification Sherloc (09022015). Collection method: clinical testing. Allele origin: germline.
Comment: This sequence change replaces arginine with proline at codon 380 of the KIF1A protein (p.Arg380Pro). The arginine residue is highly conserved and there is a moderate physicochemical difference between arginine and proline. This variant is not present in population databases (ExAC no frequency). This variant has not been reported in the literature in individuals with KIF1A-related disease. Algorithms developed to predict the effect of missense changes on protein structure and function (SIFT, PolyPhen-2, Align-GVGD) all suggest that this variant is likely to be disruptive, but these predictions have not been confirmed by published functional studies and their clinical significance is uncertain. In summary, the available evidence is currently insufficient to determine the role of this variant in disease. Therefore, it has been classified as a Variant of Uncertain Significance.

NM_001244008.2(KIF1A):c.1139G>C (p.Arg380Pro)

Gene: KIF1A (kinesin family member 1A; minus strand). Cytogenetic location: 2q37.3.
Variant type: single nucleotide variant.
Coding change: c.1139G>C on transcript NM_001244008.2 (MANE Select); coding-DNA position 1139, G replaced by C.
Protein change: p.Arg380Pro; replaces arginine 380 with proline.
Molecular consequence: missense variant.
Genome position (GRCh38, 1-based): chr2:240,773,155, C>G on the plus strand (G>C on the coding strand, the complement: KIF1A is on the minus strand). VCF-style: chr2-240773155-C-G. GRCh37 (hg19) VCF-style: chr2-241712572-C-G.
Other names: c.1139G>C, p.Arg380Pro (NM_001320705.2, NM_001330289.2, NM_001330290.2 and 20 more transcripts); short protein forms R380P.
Identifiers: ClinVar variation 574511 (VCV000574511.8), dbSNP rs759791775, ClinGen allele CA68128649.
Genomic context (GRCh38, chr2:240,773,155, plus strand): 5'-GGCTGGAGCAGGCACTCACTGTCAGTGATGTCGCCAAGACCCTGGGCGTACAGAAGGTCC[C>G]GCAGCCGGGTCACCTCATCCTTCAGCTCGCGGATCAGCTTGTTGTTGGGGTCCTCATTGA-3'
Protein context (NP_001230937.1, residues 370-390): RELKDEVTRL[Arg380Pro]DLLYAQGLGD